The following is an entry in ClinVar:

ClinVar aggregate classification (germline): Benign/Likely benign. Review status: criteria provided, multiple submitters, no conflicts (2 of 4 stars). 4 submissions from 4 submitters: Benign (3); Likely benign (1). Last evaluated 2026-02-04.

Conditions:
COG7 congenital disorder of glycosylation (CDG2E). Also called: CDG IIe; CONGENITAL DISORDER OF GLYCOSYLATION, TYPE IIe. Identifiers: Orphanet 79333, MedGen C2931010, MONDO:0012118, OMIM 608779.

Allele frequency attached by ClinVar (database versions not stated): ESP Exome Variant Server 0.00562; TOPMed 0.00584; 1000 Genomes Project 0.00659; 1000 Genomes Project 30x 0.00718.
gnomAD v4.1: 1,618 of 1,614,020 alleles (0.1%); highest among the groups gnomAD compares: African/African-American, 1.9%; 16 homozygotes.

Submissions (4):

Labcorp Genetics (formerly Invitae), Labcorp
Classification: Benign for COG7 congenital disorder of glycosylation. Last evaluated: 2026-02-04. Review status: criteria provided, single submitter. Criteria: Invitae Variant Classification Sherloc (09022015). Collection method: clinical testing. Allele origin: germline.

Fulgent Genetics
Classification: Benign for COG7 congenital disorder of glycosylation. Last evaluated: 2021-07-11. Review status: criteria provided, single submitter. Criteria: ACMG Guidelines, 2015. Collection method: clinical testing. Allele origin: unknown.

Illumina Laboratory Services, Illumina
Classification: Likely benign for COG7 congenital disorder of glycosylation. Last evaluated: 2018-01-13. Review status: criteria provided, single submitter. Criteria: ICSL Variant Classification Criteria 13 December 2019. Collection method: clinical testing. Allele origin: germline.
Comment: This variant was observed in the ICSL laboratory as part of a predisposition screen in an ostensibly healthy population. It had not been previously curated by ICSL or reported in the Human Gene Mutation Database (HGMD: prior to June 1st, 2018), and was therefore a candidate for classification through an automated scoring system. Utilizing variant allele frequency, disease prevalence and penetrance estimates, and inheritance mode, an automated score was calculated to assess if this variant is too frequent to cause the disease. Based on the score and internal cut-off values, a variant classified as likely benign is not then subjected to further curation. The score for this variant resulted in a classification of likely benign for this disease.

GeneDx
Classification: Benign. Last evaluated: 2017-04-29. Review status: criteria provided, single submitter. Criteria: GeneDx Variant Classification (06012015). Collection method: clinical testing. Allele origin: germline. Affected: yes.
Comment: This variant is considered likely benign or benign based on one or more of the following criteria: it is a conservative change, it occurs at a poorly conserved position in the protein, it is predicted to be benign by multiple in silico algorithms, and/or has population frequency not consistent with disease.

NM_153603.4(COG7):c.366C>T (p.Ala122=)

Gene: COG7 (component of oligomeric golgi complex 7; minus strand). Cytogenetic location: 16p12.2.
Variant type: single nucleotide variant.
Coding change: c.366C>T on transcript NM_153603.4 (MANE Select); coding-DNA position 366, C replaced by T.
Protein change: p.Ala122=; no amino-acid change (alanine 122 retained).
Molecular consequence: synonymous variant.
Genome position (GRCh38, 1-based): chr16:23,445,117, G>A on the plus strand (C>T on the coding strand, the complement: COG7 is on the minus strand). VCF-style: chr16-23445117-G-A. GRCh37 (hg19) VCF-style: chr16-23456438-G-A.
Identifiers: ClinVar variation 380442 (VCV000380442.18), dbSNP rs74012178, ClinGen allele CA7961325.